The following is an entry in ClinVar:

ClinVar aggregate classification (germline): Conflicting classifications of pathogenicity. Review status: criteria provided, conflicting classifications (1 of 4 stars). 5 submissions from 3 submitters: Uncertain significance (3); Likely benign (2). Last evaluated 2025-03-12.

Conditions:
Familial Mediterranean fever, autosomal dominant. Also called: Dominant Familial Mediterranean Fever; FMF, AUTOSOMAL DOMINANT. Identifiers: Orphanet 342, MedGen C1851347, MONDO:0007601, OMIM 134610.
Acute febrile neutrophilic dermatosis (AFND). Also called: Sweet Syndrome; Gomm Button disease. Identifiers: Orphanet 3243, MedGen C0085077, MONDO:0011959, OMIM 608068.
Familial Mediterranean fever (FMF). Also called: POLYSEROSITIS, FAMILIAL PAROXYSMAL; POLYSEROSITIS, RECURRENT; Periodic peritonitis; Benign paroxysmal peritonitis. Identifiers: Orphanet 342, MedGen C0031069, MONDO:0018088, OMIM 249100. Disease mechanism: gain of function.

Allele frequency attached by ClinVar (database versions not stated): TOPMed 0.00001.

Submissions (5):

Labcorp Genetics (formerly Invitae), Labcorp
Classification: Uncertain significance for Familial Mediterranean fever. Last evaluated: 2025-03-12. Review status: criteria provided, single submitter. Criteria: Invitae Variant Classification Sherloc (09022015). Collection method: clinical testing. Allele origin: germline.
Comment: This sequence change replaces glycine, which is neutral and non-polar, with alanine, which is neutral and non-polar, at codon 632 of the MEFV protein (p.Gly632Ala). This variant is not present in population databases (gnomAD no frequency). This missense change has been observed in individual(s) with familial Mediterranean fever (PMID: 23862117, 24929125, 33738724). ClinVar contains an entry for this variant (Variation ID: 803181). An algorithm developed to predict the effect of missense changes on protein structure and function (PolyPhen-2) suggests that this variant is likely to be tolerated. In summary, the available evidence is currently insufficient to determine the role of this variant in disease. Therefore, it has been classified as a Variant of Uncertain Significance.

Genome-Nilou Lab
Classification: Uncertain significance for Familial Mediterranean fever. Last evaluated: 2023-02-08. Review status: criteria provided, single submitter. Criteria: ACMG Guidelines, 2015. Collection method: clinical testing. Allele origin: germline.

Genome-Nilou Lab
Classification: Likely benign for Familial Mediterranean fever, autosomal dominant. Last evaluated: 2023-02-08. Review status: criteria provided, single submitter. Criteria: ACMG Guidelines, 2015. Collection method: clinical testing. Allele origin: germline.

Genome-Nilou Lab
Classification: Likely benign for Acute febrile neutrophilic dermatosis. Last evaluated: 2023-02-08. Review status: criteria provided, single submitter. Criteria: ACMG Guidelines, 2015. Collection method: clinical testing. Allele origin: germline.

Mendelics
Classification: Uncertain significance for Familial Mediterranean fever. Last evaluated: 2019-05-28. Review status: criteria provided, single submitter. Criteria: Mendelics Assertion Criteria 2017. Collection method: clinical testing. Allele origin: unknown.

Literature cited by the submitters: PubMed 23862117 (cited by Labcorp Genetics (formerly Invitae), Labcorp); PubMed 24929125 (cited by Labcorp Genetics (formerly Invitae), Labcorp); PubMed 33738724 (cited by Labcorp Genetics (formerly Invitae), Labcorp).

NM_000243.3(MEFV):c.1895G>C (p.Gly632Ala)

Genes: MEFV (MEFV innate immunity regulator, pyrin; minus strand), LOC126862264 (CDK7 strongly-dependent group 2 enhancer GRCh37_chr16:3293322-3294521; plus strand). Cytogenetic location: 16p13.3.
Variant type: single nucleotide variant.
Coding change: c.1895G>C on transcript NM_000243.3 (MANE Select); coding-DNA position 1895, G replaced by C.
Protein change: p.Gly632Ala; replaces glycine 632 with alanine.
Molecular consequence: missense variant. On other transcripts: 3 prime UTR variant (1).
Genome position (GRCh38, 1-based): chr16:3,243,592, C>G on the plus strand (G>C on the coding strand, the complement: MEFV is on the minus strand). VCF-style: chr16-3243592-C-G. GRCh37 (hg19) VCF-style: chr16-3293592-C-G.
Other names: c.*99G>C (NM_001198536.2); short protein forms G632A.
Identifiers: ClinVar variation 803181 (VCV000803181.9), dbSNP rs967990798, ClinGen allele CA276955246.
Genomic context (GRCh38, chr16:3,243,592, plus strand): 5'-CGGCCAGAGAGGAAACTCGGAGAGCCCAGAACAATGATACAGCTGTCAAATCTTTGCGGG[C>G]CATCAGGCAGCCTCTCCCACTTGTTTCCAAGTCTAACACTCTTCAGATCATCAGAGAAGA-3'
Protein context (NP_000234.1, residues 622-642): LGNKWERLPD[Gly632Ala]PQRFDSCIIV